The following is an entry in ClinVar:

ClinVar aggregate classification (germline): Uncertain significance. Review status: criteria provided, multiple submitters, no conflicts (2 of 4 stars). 2 submissions from 2 submitters: Uncertain significance (2). Last evaluated 2025-08-10.

Conditions:
Inborn genetic diseases. Identifiers: MedGen C0950123, MeSH D030342.

Allele frequency attached by ClinVar (database versions not stated): gnomAD 0.00002; TOPMed 0.00002.
gnomAD v4.1: 32 of 1,571,448 alleles (0.002%); highest among the groups gnomAD compares: Non-Finnish European, 0.0027%; no homozygotes.

Submissions (2):

Ambry Genetics
Classification: Uncertain significance for Inborn genetic diseases. Last evaluated: 2025-08-10. Review status: criteria provided, single submitter. Criteria: Ambry Variant Classification Scheme 2023. Collection method: clinical testing. Allele origin: germline.

Labcorp Genetics (formerly Invitae), Labcorp
Classification: Uncertain significance. Last evaluated: 2022-04-17. Review status: criteria provided, single submitter. Criteria: Invitae Variant Classification Sherloc (09022015). Collection method: clinical testing. Allele origin: germline.
Comment: This sequence change replaces alanine, which is neutral and non-polar, with glycine, which is neutral and non-polar, at codon 121 of the HES7 protein (p.Ala121Gly). This variant is present in population databases (no rsID available, gnomAD 0.007%). This variant has not been reported in the literature in individuals affected with HES7-related conditions. Algorithms developed to predict the effect of missense changes on protein structure and function (SIFT, PolyPhen-2, Align-GVGD) all suggest that this variant is likely to be tolerated. In summary, the available evidence is currently insufficient to determine the role of this variant in disease. Therefore, it has been classified as a Variant of Uncertain Significance.

NM_001165967.2(HES7):c.377C>G (p.Ala126Gly)

Gene: HES7 (hes family bHLH transcription factor 7; minus strand). Cytogenetic location: 17p13.1.
Variant type: single nucleotide variant.
Coding change: c.377C>G on transcript NM_001165967.2 (MANE Select); coding-DNA position 377, C replaced by G.
Protein change: p.Ala126Gly; replaces alanine 126 with glycine.
Molecular consequence: missense variant.
Genome position (GRCh38, 1-based): chr17:8,121,887, G>C on the plus strand (C>G on the coding strand, the complement: HES7 is on the minus strand). VCF-style: chr17-8121887-G-C. GRCh37 (hg19) VCF-style: chr17-8025205-G-C.
Other names: c.362C>G, p.Ala121Gly (NM_032580.4); c.362C>G (NM_032580.3); short protein forms A121G, A126G.
Identifiers: ClinVar variation 1949297 (VCV001949297.3), dbSNP rs1157025145, ClinGen allele CA397988415.